The following is an entry in ClinVar:

ClinVar aggregate classification (germline): Conflicting classifications of pathogenicity. Review status: criteria provided, conflicting classifications (1 of 4 stars). 15 submissions from 15 submitters: Uncertain significance (1); Benign (2); Likely benign (8). 4 of the submissions do not count toward it. Last evaluated 2026-05-22.

Conditions:
Inborn genetic diseases. Identifiers: MedGen C0950123, MeSH D030342.
Ellis-van Creveld syndrome (EVC). Also called: Chondroectodermal dysplasia; MESOECTODERMAL DYSPLASIA. Identifiers: Orphanet 289, MedGen C0013903, MONDO:0009162, OMIM 225500.
Curry-Hall syndrome (WAD). Also called: WEYERS ACRODENTAL DYSOSTOSIS. Identifiers: Orphanet 952, MedGen C0457013, MONDO:0008673, OMIM 193530.

Allele frequency attached by ClinVar (database versions not stated): 1000 Genomes Project 0.00300; 1000 Genomes Project 30x 0.00328; gnomAD 0.00451; TOPMed 0.00471; ExAC 0.00510; ESP Exome Variant Server 0.00554; gnomAD exomes 0.00718.
gnomAD v4.1: 11,104 of 1,614,130 alleles (0.69%); highest among the groups gnomAD compares: Middle Eastern, 0.84%; 45 homozygotes.

Submissions (15):

Women's Health and Genetics/Laboratory Corporation of America, LabCorp
Classification: Likely benign. Last evaluated: 2026-05-22. Review status: criteria provided, single submitter. Criteria: LabCorp Variant Classification Summary - May 2015. Collection method: clinical testing. Allele origin: germline.
Comment: Variant summary: EVC c.469C>G (p.Pro157Ala) results in a non-conservative amino acid change in the encoded protein sequence. Algorithms developed to predict the effect of missense changes on protein structure and function are either unavailable or do not agree on the potential impact of this missense change. The variant allele was found at a frequency of 0.005 in 251362 control chromosomes, predominantly at a frequency of 0.0071 within the Non-Finnish European subpopulation in the gnomAD database, including 4 homozygotes. The observed variant frequency within Non-Finnish European control individuals in the gnomAD database exceeds the estimated maximal expected allele frequency for disease-causing variants in EVC. To our knowledge, no occurrence of c.469C>G in individuals affected with EVC-related conditions and no experimental evidence demonstrating its impact on protein function have been reported. ClinVar contains an entry for this variant (Variation ID: 197384). Based on the evidence outlined above, the variant was classified as likely benign.

CeGaT Center for Human Genetics Tuebingen
Classification: Likely benign. Last evaluated: 2026-03-01. Review status: criteria provided, single submitter. Criteria: CeGaT Center For Human Genetics Tuebingen Variant Classification Criteria Version 2. Collection method: clinical testing. Allele origin: germline. Affected: yes. Observed: 9 variant alleles.
Comment: EVC: BP4, BS2

Labcorp Genetics (formerly Invitae), Labcorp
Classification: Benign for Curry-Hall syndrome; Ellis-van Creveld syndrome. Last evaluated: 2026-01-28. Review status: criteria provided, single submitter. Criteria: Invitae Variant Classification Sherloc (09022015). Collection method: clinical testing. Allele origin: germline.

ARUP Laboratories, Molecular Genetics and Genomics, ARUP Laboratories
Classification: Likely benign. Last evaluated: 2024-12-05. Review status: criteria provided, single submitter. Criteria: ARUP Molecular Germline Variant Investigation Process 2024. Collection method: clinical testing. Allele origin: germline.

Blueprint Genetics
Classification: Likely benign. Last evaluated: 2024-11-25. Review status: criteria provided, single submitter. Criteria: ACMG Guidelines, 2015. Collection method: clinical testing. Allele origin: germline.

Fulgent Genetics
Classification: Likely benign for Curry-Hall syndrome; Ellis-van Creveld syndrome. Last evaluated: 2021-10-11. Review status: criteria provided, single submitter. Criteria: ACMG Guidelines, 2015. Collection method: clinical testing. Allele origin: unknown.

Ambry Genetics
Classification: Uncertain significance for Inborn genetic diseases. Last evaluated: 2021-08-12. Review status: criteria provided, single submitter. Criteria: Ambry Variant Classification Scheme 2023. Collection method: clinical testing. Allele origin: germline.

GeneDx
Classification: Benign. Last evaluated: 2018-08-23. Review status: criteria provided, single submitter. Criteria: GeneDx Variant Classification Process June 2021. Collection method: clinical testing. Allele origin: germline. Affected: yes.

Illumina Laboratory Services, Illumina
Classification: Likely benign for Ellis-van Creveld syndrome. Last evaluated: 2018-01-13. Review status: criteria provided, single submitter. Criteria: ICSL Variant Classification Criteria 13 December 2019. Collection method: clinical testing. Allele origin: germline.
Comment: This variant was observed in the ICSL laboratory as part of a predisposition screen in an ostensibly healthy population. It had not been previously curated by ICSL or reported in the Human Gene Mutation Database (HGMD: prior to June 1st, 2018), and was therefore a candidate for classification through an automated scoring system. Utilizing variant allele frequency, disease prevalence and penetrance estimates, and inheritance mode, an automated score was calculated to assess if this variant is too frequent to cause the disease. Based on the score and internal cut-off values, a variant classified as likely benign is not then subjected to further curation. The score for this variant resulted in a classification of likely benign for this disease.

Eurofins Ntd Llc (ga)
Classification: Likely benign. Last evaluated: 2015-01-05. Review status: criteria provided, single submitter. Criteria: EGL Classification Definitions 2015. Collection method: clinical testing. Allele origin: germline. Observed: 1 variant allele, 1 heterozygote.

Breakthrough Genomics
Classification: Likely benign. Review status: criteria provided, single submitter. Criteria: ACMG Guidelines, 2015. Collection method: not provided. Allele origin: germline. Inheritance: Autosomal recessive inheritance. Affected: yes.

Natera, Inc.
Classification: Benign for Ellis-van Creveld syndrome. Last evaluated: 2020-09-16. Review status: no assertion criteria provided. Collection method: clinical testing. Allele origin: germline. Not counted in ClinVar's aggregate classification.

Clinical Genetics DNA and cytogenetics Diagnostics Lab, Erasmus MC, Erasmus Medical Center
Classification: Likely benign. Review status: no assertion criteria provided. Collection method: clinical testing. Allele origin: germline. Affected: yes. Study: VKGL Data-share Consensus. Not counted in ClinVar's aggregate classification.

Department of Pathology and Laboratory Medicine, Sinai Health System
Classification: Likely benign. Review status: no assertion criteria provided. Collection method: clinical testing. Allele origin: unknown. Affected: yes. Study: The Canadian Open Genetics Repository (COGR). Not counted in ClinVar's aggregate classification.
Comment: The EVC p.Pro157Ala variant was not identified in the literature but was identified in dbSNP (ID: rs146729456), ClinVar (classified as likely benign by Illumina for Weyers Acrofacial Dysostosis and Ellis-van Creveld Syndrome, likely benign by EGL Genetic Diagnostics, and benign by Invitae) and LOVD 3.0 (classified as likely benign by VKGL data sharing initiative Nederland). The variant was identified in control databases in 1379 of 282748 chromosomes (7 homozygous) at a frequency of 0.004877 increasing the likelihood this could be a low frequency benign variant (Genome Aggregation Database March 6, 2019, v2.1.1). The variant was observed in the following populations: European (non-Finnish) in 898 of 129070 chromosomes (freq: 0.006957), Ashkenazi Jewish in 72 of 10366 chromosomes (freq: 0.006946), Other in 49 of 7222 chromosomes (freq: 0.006785), European (Finnish) in 133 of 25122 chromosomes (freq: 0.005294), Latino in 167 of 35436 chromosomes (freq: 0.004713), African in 38 of 24966 chromosomes (freq: 0.001522) and South Asian in 22 of 30616 chromosomes (freq: 0.000719), but was not observed in the East Asian population. The p.Pro157 residue is not conserved in mammals and computational analyses (PolyPhen-2, SIFT, AlignGVGD, BLOSUM, MutationTaster) do not suggest a high likelihood of impact to the protein; however, this information is not predictive enough to rule out pathogenicity. The variant occurs outside of the splicing consensus sequence and 2 of 4 in silico or computational prediction software programs (SpliceSiteFinder, MaxEntScan, NNSPLICE, GeneSplicer) predict a greater than 10% difference in splicing; this is not very predictive of pathogenicity. In summary, based on the above information the clinical significance of this variant cannot be determined with certainty at this time although we would lean towards a more benign role for this variant. This variant is classified as likely benign.

Laboratory of Diagnostic Genome Analysis, Leiden University Medical Center (LUMC)
Classification: Likely benign. Review status: no assertion criteria provided. Collection method: clinical testing. Allele origin: germline. Affected: yes. Study: VKGL Data-share Consensus. Not counted in ClinVar's aggregate classification.

NM_153717.3(EVC):c.469C>G (p.Pro157Ala)

Gene: EVC (EvC ciliary complex subunit 1; plus strand). Cytogenetic location: 4p16.2.
Variant type: single nucleotide variant.
Coding change: c.469C>G on transcript NM_153717.3 (MANE Select); coding-DNA position 469, C replaced by G.
Protein change: p.Pro157Ala; replaces proline 157 with alanine.
Molecular consequence: missense variant.
Genome position (GRCh38, 1-based): chr4:5,731,509, C>G. VCF-style: chr4-5731509-C-G. GRCh37 (hg19) VCF-style: chr4-5733236-C-G.
Other names: c.469C>G, p.Pro157Ala (NM_001306090.2, NM_001306092.2); short protein forms P157A.
Identifiers: ClinVar variation 197384 (VCV000197384.63), dbSNP rs146729456, ClinGen allele CA202846.